The following is an entry in ClinVar:

ClinVar aggregate classification (germline): Pathogenic (1 of 4 stars; one submission).

Conditions:
Nephronophthisis. Also called: Juvenile Nephronophthisis. Identifiers: Orphanet 655, MedGen C0687120, MONDO:0019005, HP:0000090.

Submission:

Labcorp Genetics (formerly Invitae), Labcorp
Classification: Pathogenic for Nephronophthisis. Last evaluated: 2022-11-02. Review status: criteria provided, single submitter. Criteria: Invitae Variant Classification Sherloc (09022015). Collection method: clinical testing. Allele origin: germline.
Comment: A gross deletion of the genomic region encompassing the full coding sequence of the NPHP1 gene has been identified. Loss-of-function variants in NPHP1 are known to be pathogenic (PMID: 23559409). The boundaries of this event are unknown as they extend beyond the assayed region for this gene and therefore may encompass additional genes. A similar copy number variant has been observed in individuals with juvenile nephronophthisis, Bardet-Biedl syndrome, Joubert syndrome, and congenital ocular motor apraxia type Cogan (PMID: 8852662, 10620543, 10839884, 15138899, 24746959). For these reasons, this variant has been classified as Pathogenic.

Literature cited by the submitters: PubMed 23559409; PubMed 8852662; PubMed 10620543; PubMed 10839884; PubMed 15138899; PubMed 24746959.

NC_000002.12:g.(?_110123791)_(110204968_?)del

Genes: NPHP1 (nephrocystin 1; minus strand), LOC126806306 (P300/CBP strongly-dependent group 1 enhancer GRCh37_chr2:110906815-110908014; plus strand). Cytogenetic location: 2q13.
Variant type: Deletion.
Identifiers: ClinVar variation 583935 (VCV000583935.3).